The following is an entry in ClinVar:

NM_198999.3(SLC26A5):c.809G>A (p.Gly270Asp)

Gene: SLC26A5 (solute carrier family 26 member 5; minus strand). Cytogenetic location: 7q22.1.
Variant type: single nucleotide variant.
Coding change: c.809G>A on transcript NM_198999.3 (MANE Select); coding-DNA position 809, G replaced by A.
Protein change: p.Gly270Asp; replaces glycine 270 with aspartic acid.
Molecular consequence: missense variant. On other transcripts: non-coding transcript variant (5).
Genome position (GRCh38, 1-based): chr7:103,407,930, C>T on the plus strand (G>A on the coding strand, the complement: SLC26A5 is on the minus strand). VCF-style: chr7-103407930-C-T. GRCh37 (hg19) VCF-style: chr7-103048377-C-T.
Other names: c.809G>A (NM_198999.2); c.809G>A, p.Gly270Asp (NM_001167962.2, NM_001321787.2, NM_206883.3 and 2 more transcripts); short protein forms G270D.
Identifiers: ClinVar variation 3393303 (VCV003393303.2).

ClinVar aggregate classification (germline): Uncertain significance. Review status: criteria provided, multiple submitters, no conflicts (2 of 4 stars). 2 submissions from 2 submitters: Uncertain significance (2). Last evaluated 2025-12-12.

Conditions:
Autosomal recessive nonsyndromic hearing loss 61. Identifiers: Orphanet 90636, MedGen C3151230, MONDO:0013471, OMIM 613865.
SLC26A5-related disorder. Also called: SLC26A5-related condition.

gnomAD v4.1: 1 of 1,614,196 alleles (0.000062%); highest among the groups gnomAD compares: Admixed American, 0.0017%; no homozygotes.

Submissions (2):

PreventionGenetics, part of Exact Sciences
Classification: Uncertain significance for SLC26A5-related condition. Last evaluated: 2025-12-12. Review status: criteria provided, single submitter. Criteria: ACMG Guidelines, 2015. Collection method: clinical testing. Allele origin: germline.
Comment: The SLC26A5 c.809G>A variant is predicted to result in the amino acid substitution p.Gly270Asp. To our knowledge, this variant has not been reported in the literature. This variant is reported in 0.0029% of alleles in individuals of Latino descent in gnomAD. At this time, the clinical significance of this variant is uncertain due to the absence of conclusive functional and genetic evidence.

Genomic Medicine Center of Excellence, King Faisal Specialist Hospital and Research Centre
Classification: Uncertain significance for Autosomal recessive nonsyndromic hearing loss 61. Last evaluated: 2024-12-19. Review status: criteria provided, single submitter. Criteria: ACMG Guidelines, 2015. Collection method: clinical testing. Allele origin: germline.